The following is an entry in ClinVar:

NM_005188.4(CBL):c.573A>G (p.Arg191=)

Gene: CBL (Cbl proto-oncogene; plus strand). Cytogenetic location: 11q23.3.
Variant type: single nucleotide variant.
Coding change: c.573A>G on transcript NM_005188.4 (MANE Select); coding-DNA position 573, A replaced by G.
Protein change: p.Arg191=; no amino-acid change (arginine 191 retained).
Molecular consequence: synonymous variant.
Genome position (GRCh38, 1-based): chr11:119,271,864, A>G. VCF-style: chr11-119271864-A-G. GRCh37 (hg19) VCF-style: chr11-119142574-A-G.
Other names: c.573A>G (NM_005188.2).
Identifiers: ClinVar variation 1614688 (VCV001614688.11), dbSNP rs1254459327, ClinGen allele CA477127495.

ClinVar aggregate classification (germline): Likely benign. Review status: criteria provided, multiple submitters, no conflicts (2 of 4 stars). 4 submissions from 4 submitters: Likely benign (4). Last evaluated 2025-12-21.

Conditions:
RASopathy. Also called: rasopathies; Noonan spectrum disorder. Identifiers: Orphanet 536391, MedGen C5555857, MONDO:0021060.
Cardiovascular phenotype. Identifiers: MedGen CN230736.

Allele frequency attached by ClinVar (database versions not stated): gnomAD exomes below 0.00001 and 0.00001; gnomAD 0.00001.
gnomAD v4.1: 9 of 1,613,934 alleles (0.00056%); highest among the groups gnomAD compares: Admixed American, 0.015%; no homozygotes.

Submissions (4):

Labcorp Genetics (formerly Invitae), Labcorp
Classification: Likely benign for RASopathy. Last evaluated: 2025-12-21. Review status: criteria provided, single submitter. Criteria: Invitae Variant Classification Sherloc (09022015). Collection method: clinical testing. Allele origin: germline.

Ambry Genetics
Classification: Likely benign for Cardiovascular phenotype. Last evaluated: 2025-06-06. Review status: criteria provided, single submitter. Criteria: Ambry Variant Classification Scheme 2023. Collection method: clinical testing. Allele origin: germline.

Blueprint Genetics
Classification: Likely benign. Last evaluated: 2022-11-15. Review status: criteria provided, single submitter. Criteria: ACMG Guidelines, 2015. Collection method: clinical testing. Allele origin: germline.

Women's Health and Genetics/Laboratory Corporation of America, LabCorp
Classification: Likely benign. Last evaluated: 2022-04-18. Review status: criteria provided, single submitter. Criteria: LabCorp Variant Classification Summary - May 2015. Collection method: clinical testing. Allele origin: germline.
Comment: Variant summary: CBL c.573A>G alters a non-conserved nucleotide resulting in a synonymous change. 4/4 computational tools predict no significant impact on normal splicing. However, these predictions have yet to be confirmed by functional studies. The variant allele was found at a frequency of 4e-06 in 251392 control chromosomes. The available data on variant occurrences in the general population are insufficient to allow any conclusion about variant significance. To our knowledge, no occurrence of c.573A>G in individuals affected with Noonan Syndrome And Related Conditions and no experimental evidence demonstrating its impact on protein function have been reported. One clinical diagnostic laboratory has submitted clinical-significance assessments for this variant to ClinVar after 2014 and classified the variant as likely benign. Based on the evidence outlined above, the variant was classified as likely benign.